The following is an entry in ClinVar:

NM_001256007.3(PNPLA8):c.1452A>C (p.Thr484=)

Gene: PNPLA8 (patatin like domain 8, phospholipase A2; minus strand). Cytogenetic location: 7q31.1.
Variant type: single nucleotide variant.
Coding change: c.1452A>C on transcript NM_001256007.3 (MANE Select); coding-DNA position 1452, A replaced by C.
Protein change: p.Thr484=; no amino-acid change (threonine 484 retained).
Molecular consequence: synonymous variant.
Genome position (GRCh38, 1-based): chr7:108,497,484, T>G on the plus strand (A>C on the coding strand, the complement: PNPLA8 is on the minus strand). VCF-style: chr7-108497484-T-G. GRCh37 (hg19) VCF-style: chr7-108137928-T-G.
Other names: c.1452A>C, p.Thr484= (NM_001256008.3, NM_001256009.3, NM_015723.5); c.1152A>C, p.Thr384= (NM_001256010.3, NM_001256011.3).
Identifiers: ClinVar variation 2627572 (VCV002627572.2), dbSNP rs2552114185, ClinGen allele CA457118490.

ClinVar aggregate classification (germline): Uncertain significance (1 of 4 stars; one submission).

Conditions:
Mitochondrial myopathy-lactic acidosis-deafness syndrome. Identifiers: Orphanet 2597, MedGen C1855033, MONDO:0016825, OMIM 251950.

Submission:

Institute of Human Genetics, University of Leipzig Medical Center
Classification: Uncertain significance for Mitochondrial myopathy-lactic acidosis-deafness syndrome. Last evaluated: 2023-10-23. Review status: criteria provided, single submitter. Criteria: ACMG Guidelines, 2015. Collection method: clinical testing. Allele origin: unknown. Inheritance: Autosomal recessive inheritance. Affected: yes.
Comment: Criteria applied: PM2_SUP